The following is an entry in ClinVar:

NM_032043.3(BRIP1):c.2313C>T (p.Phe771=)

Gene: BRIP1 (BRCA1 interacting DNA helicase 1; minus strand). Cytogenetic location: 17q23.2.
Variant type: single nucleotide variant.
Coding change: c.2313C>T on transcript NM_032043.3 (MANE Select); coding-DNA position 2313, C replaced by T.
Protein change: p.Phe771=; no amino-acid change (phenylalanine 771 retained).
Molecular consequence: synonymous variant.
Genome position (GRCh38, 1-based): chr17:61,743,079, G>A on the plus strand (C>T on the coding strand, the complement: BRIP1 is on the minus strand). VCF-style: chr17-61743079-G-A. GRCh37 (hg19) VCF-style: chr17-59820440-G-A.
Identifiers: ClinVar variation 1907190 (VCV001907190.8), dbSNP rs1298345650, ClinGen allele CA501151101.

ClinVar aggregate classification (germline): Benign/Likely benign. Review status: criteria provided, multiple submitters, no conflicts (2 of 4 stars). 3 submissions from 3 submitters: Benign (1); Likely benign (2). Last evaluated 2024-09-04.

Conditions:
Familial cancer of breast. Also called: hereditary breast carcinoma; BREAST CANCER, FAMILIAL; Hereditary breast cancer. Identifiers: Orphanet 227535, MedGen C0346153, MONDO:0016419, OMIM 114480. Disease mechanism: loss of function.
Fanconi anemia complementation group J. Also called: BRIP1-Related Fanconi Anemia. Identifiers: Orphanet 84, MedGen C1836860, MONDO:0012187, OMIM 609054.
Hereditary cancer-predisposing syndrome. Also called: Tumor predisposition; Neoplastic Syndromes, Hereditary; Hereditary neoplastic syndrome; Hereditary Cancer Syndrome. Identifiers: Orphanet 140162, MedGen C0027672, MeSH D009386, MONDO:0015356.

gnomAD v4.1: 2 of 1,613,908 alleles (0.00012%); highest among the groups gnomAD compares: Admixed American, 0.0017%; no homozygotes.

Submissions (3):

Myriad Genetics, Inc.
Classification: Benign for Familial cancer of breast. Last evaluated: 2024-09-04. Review status: criteria provided, single submitter. Criteria: Myriad Autosomal Dominant, Autosomal Recessive and X-Linked Classification Criteria (2023). Collection method: clinical testing. Allele origin: unknown.
Comment: This variant is considered benign. This variant is a silent/synonymous amino acid change and it is not expected to impact splicing.

Labcorp Genetics (formerly Invitae), Labcorp
Classification: Likely benign for Familial cancer of breast; Fanconi anemia complementation group J. Last evaluated: 2024-08-06. Review status: criteria provided, single submitter. Criteria: Invitae Variant Classification Sherloc (09022015). Collection method: clinical testing. Allele origin: germline.

Ambry Genetics
Classification: Likely benign for Hereditary cancer-predisposing syndrome. Last evaluated: 2023-05-28. Review status: criteria provided, single submitter. Criteria: Ambry Variant Classification Scheme 2023. Collection method: clinical testing. Allele origin: germline.